The following is an entry in ClinVar:

NM_018294.6(CWF19L1):c.964C>T (p.Pro322Ser)

Gene: CWF19L1 (CWF19 like cell cycle control factor 1; minus strand). Cytogenetic location: 10q24.31.
Variant type: single nucleotide variant.
Coding change: c.964C>T on transcript NM_018294.6 (MANE Select); coding-DNA position 964, C replaced by T.
Protein change: p.Pro322Ser; replaces proline 322 with serine.
Molecular consequence: missense variant.
Genome position (GRCh38, 1-based): chr10:100,245,799, G>A on the plus strand (C>T on the coding strand, the complement: CWF19L1 is on the minus strand). VCF-style: chr10-100245799-G-A. GRCh37 (hg19) VCF-style: chr10-102005556-G-A.
Other names: c.964C>T, p.Pro322Ser (NM_001303404.2); c.553C>T, p.Pro185Ser (NM_001303405.2, NM_001303406.2); c.229C>T, p.Pro77Ser (NM_001303407.2); short protein forms P185S, P322S, P77S.
Identifiers: ClinVar variation 2578621 (VCV002578621.25), dbSNP rs557407789, ClinGen allele CA5647018.
Genomic context (GRCh38, chr10:100,245,799, plus strand): 5'-AGAAAAGCCAAAATAACAGTTACTGTTCATAGAAGAAACCTCTGGAATAAAGGTACTTAC[G>A]AGGTTTGCGAGGCTGCTTTGGATGAGGAGAAGATTTGCTATCTCTACCTGTGGATGAACG-3'
Protein context (NP_060764.3, residues 312-332): SPHPKQPRKP[Pro322Ser]QPPGPCWFCL

ClinVar aggregate classification (germline): Uncertain significance (1 of 4 stars; one submission).

Allele frequency attached by ClinVar (database versions not stated): TOPMed 0.00005; gnomAD 0.00007; 1000 Genomes Project 30x 0.00016; 1000 Genomes Project 0.00020.
gnomAD v4.1: 72 of 1,610,454 alleles (0.0045%); highest among the groups gnomAD compares: Admixed American, 0.018%; no homozygotes.

Submission:

CeGaT Center for Human Genetics Tuebingen
Classification: Uncertain significance. Last evaluated: 2023-07-01. Review status: criteria provided, single submitter. Criteria: CeGaT Center For Human Genetics Tuebingen Variant Classification Criteria Version 2. Collection method: clinical testing. Allele origin: germline. Affected: yes. Observed: 1 variant allele.
Comment: CWF19L1: PM2:Supporting